The following is an entry in ClinVar:

NM_024426.6(WT1):c.393_407del (p.Ala132_Pro136del)

Genes: WT1 (WT1 transcription factor; minus strand), LOC107982234 (WT1/WT1-AS bi-directional promoter region; plus strand). Cytogenetic location: 11p13.
Variant type: Deletion.
Coding change: c.393_407del on transcript NM_024426.6 (MANE Select); coding-DNA positions 393 to 407, 15 bases deleted (GGCTCCGCCGCCACC).
Protein change: p.Ala132_Pro136del.
Molecular consequence: inframe deletion. On other transcripts: non-coding transcript variant (1).
Genome position (GRCh38, 1-based): chr11:32,434,954-32,434,968, GGTGGCGGCGGAGCC deleted on the plus strand (GGCTCCGCCGCCACC on the coding strand, the reverse complement: WT1 is on the minus strand); deleting any 15 consecutive bases within chr11:32,434,954-32,434,978 gives the same sequence; the c. name uses the placement nearest the transcript's 3' end. VCF-style (leftmost placement, unchanged base first): chr11-32434953-GGGTGGCGGCGGAGCC-G. GRCh37 (hg19) VCF-style: chr11-32456499-GGGTGGCGGCGGAGCC-G.
Other names: c.393_407del, p.Ala132_Pro136del (NM_000378.6, NM_024424.5).
Identifiers: ClinVar variation 1063046 (VCV001063046.9), dbSNP rs1853451296, ClinGen allele CA2499220923.

ClinVar aggregate classification (germline): Uncertain significance (1 of 4 stars; one submission).

Conditions:
Drash syndrome (DDS). Also called: NEPHROPATHY, WILMS TUMOR, AND GENITAL ANOMALIES; WILMS TUMOR AND PSEUDO- OR TRUE HERMAPHRODITISM. Identifiers: Orphanet 220, MedGen C0950121, MONDO:0008682, OMIM 194080.
Frasier syndrome. Identifiers: Orphanet 347, MedGen C0950122, MeSH D052159, MONDO:0007635, OMIM 136680.
Wilms tumor 1 (WT1). Also called: Wilms tumor, somatic. Identifiers: Orphanet 654, MedGen CN033288, MONDO:0008679, OMIM 194070.
11p partial monosomy syndrome (WAGR). Also called: WAGR Complex; WAGR Spectrum Disorder; WAGR syndrome; CHROMOSOME 11p13 DELETION SYNDROME. Identifiers: Orphanet 893, MedGen C0206115, MONDO:0008681, OMIM 194072.

Submission:

Labcorp Genetics (formerly Invitae), Labcorp
Classification: Uncertain significance for Wilms tumor 1; Drash syndrome; 11p partial monosomy syndrome; Frasier syndrome. Last evaluated: 2020-09-24. Review status: criteria provided, single submitter. Criteria: Invitae Variant Classification Sherloc (09022015). Collection method: clinical testing. Allele origin: germline.
Comment: This variant, c.378_392del, results in the deletion of 5 amino acid(s) of the WT1 protein (p.Ala127_Pro131del), but otherwise preserves the integrity of the reading frame. In summary, the available evidence is currently insufficient to determine the role of this variant in disease. Therefore, it has been classified as a Variant of Uncertain Significance. Experimental studies and prediction algorithms are not available or were not evaluated, and the functional significance of this variant is currently unknown. This variant has not been reported in the literature in individuals with WT1-related conditions. The frequency data for this variant in the population databases is considered unreliable, as metrics indicate insufficient coverage at this position in the ExAC database.